The following is an entry in ClinVar:

ClinVar aggregate classification (germline): Likely benign. Review status: criteria provided, single submitter (1 of 4 stars). 2 submissions from 2 submitters: Likely benign (1). 1 of the submissions does not count toward it. Last evaluated 2022-11-07.

Conditions:
Inborn genetic diseases. Identifiers: MedGen C0950123, MeSH D030342.
CUX2-related disorder. Also called: CUX2-related condition.

Allele frequency attached by ClinVar (database versions not stated): gnomAD exomes 0.00003; gnomAD 0.00007; TOPMed 0.00017.
gnomAD v4.1: 68 of 1,557,800 alleles (0.0044%); highest among the groups gnomAD compares: Admixed American, 0.047%; no homozygotes.

Submissions (2):

Ambry Genetics
Classification: Likely benign for Inborn genetic diseases. Last evaluated: 2022-11-07. Review status: criteria provided, single submitter. Criteria: Ambry Variant Classification Scheme 2023. Collection method: clinical testing. Allele origin: germline.

PreventionGenetics, part of Exact Sciences
Classification: Likely benign for CUX2-related condition. Last evaluated: 2023-07-12. Review status: no assertion criteria provided. Collection method: clinical testing. Allele origin: germline. Not counted in ClinVar's aggregate classification.
Comment: This variant is classified as likely benign based on ACMG/AMP sequence variant interpretation guidelines (Richards et al. 2015 PMID: 25741868, with internal and published modifications).

NM_015267.4(CUX2):c.2086A>C (p.Ile696Leu)

Gene: CUX2 (cut like homeobox 2; plus strand). Cytogenetic location: 12q24.12.
Variant type: single nucleotide variant.
Coding change: c.2086A>C on transcript NM_015267.4 (MANE Select); coding-DNA position 2086, A replaced by C.
Protein change: p.Ile696Leu; replaces isoleucine 696 with leucine.
Molecular consequence: missense variant.
Genome position (GRCh38, 1-based): chr12:111,320,095, A>C. VCF-style: chr12-111320095-A-C. GRCh37 (hg19) VCF-style: chr12-111757899-A-C.
Other names: c.1900A>C, p.Ile634Leu (NM_001370598.1); short protein forms I634L, I696L.
Identifiers: ClinVar variation 2366538 (VCV002366538.4), dbSNP rs986728407, ClinGen allele CA243578147.